The following is an entry in ClinVar:

NM_001243133.2(NLRP3):c.1811T>A (p.Leu604Gln)

Gene: NLRP3 (NLR family pyrin domain containing 3; plus strand). Cytogenetic location: 1q44.
Variant type: single nucleotide variant.
Coding change: c.1811T>A on transcript NM_001243133.2 (MANE Select); coding-DNA position 1811, T replaced by A.
Protein change: p.Leu604Gln; replaces leucine 604 with glutamine.
Molecular consequence: missense variant.
Genome position (GRCh38, 1-based): chr1:247,425,260, T>A. VCF-style: chr1-247425260-T-A. GRCh37 (hg19) VCF-style: chr1-247588562-T-A.
Other names: c.1811T>A, p.Leu604Gln (NM_001079821.3, NM_001127461.3, NM_001127462.3 and 1 more transcripts); c.1817T>A, p.Leu606Gln (NM_004895.5); short protein forms L604Q, L606Q.
Identifiers: ClinVar variation 2174482 (VCV002174482.5), dbSNP rs199530514, ClinGen allele CA1495072.
Genomic context (GRCh38, chr1:247,425,260, plus strand): 5'-AGGAGAGGACCTCCTACTTGGAGAAGAAATTAAGTTGCAAGATCTCTCAGCAAATCAGGC[T>A]GGAGCTGCTGAAATGGATTGAAGTGAAAGCCAAAGCTAAAAAGCTGCAGATCCAGCCCAG-3'
Protein context (NP_001230062.1, residues 594-614): LSCKISQQIR[Leu604Gln]ELLKWIEVKA

ClinVar aggregate classification (germline): Uncertain significance. Review status: criteria provided, multiple submitters, no conflicts (2 of 4 stars). 2 submissions from 2 submitters: Uncertain significance (2). Last evaluated 2025-01-01.

Conditions:
Inborn genetic diseases. Identifiers: MedGen C0950123, MeSH D030342.
Cryopyrin associated periodic syndrome (CAPS). Identifiers: Orphanet 208650, MedGen C2316212, MONDO:0016168.

Allele frequency attached by ClinVar (database versions not stated): ExAC 0.00001; gnomAD exomes 0.00001; TOPMed 0.00001.
gnomAD v4.1: 12 of 1,614,232 alleles (0.00074%); highest among the groups gnomAD compares: Admixed American, 0.0033%; no homozygotes.

Submissions (2):

Labcorp Genetics (formerly Invitae), Labcorp
Classification: Uncertain significance for Cryopyrin associated periodic syndrome. Last evaluated: 2025-01-01. Review status: criteria provided, single submitter. Criteria: Invitae Variant Classification Sherloc (09022015). Collection method: clinical testing. Allele origin: germline.
Comment: This sequence change replaces leucine, which is neutral and non-polar, with glutamine, which is neutral and polar, at codon 606 of the NLRP3 protein (p.Leu606Gln). This variant is not present in population databases (gnomAD no frequency). This variant has not been reported in the literature in individuals affected with NLRP3-related conditions. ClinVar contains an entry for this variant (Variation ID: 2174482). An algorithm developed to predict the effect of missense changes on protein structure and function outputs the following: PolyPhen-2: "Benign". The glutamine amino acid residue is found in multiple mammalian species, which suggests that this missense change does not adversely affect protein function. In summary, the available evidence is currently insufficient to determine the role of this variant in disease. Therefore, it has been classified as a Variant of Uncertain Significance.

Ambry Genetics
Classification: Uncertain significance for Inborn genetic diseases. Last evaluated: 2024-11-29. Review status: criteria provided, single submitter. Criteria: Ambry Variant Classification Scheme 2023. Collection method: clinical testing. Allele origin: germline.